The following is an entry in ClinVar:

NM_019098.5(CNGB3):c.1924G>A (p.Ala642Thr)

Gene: CNGB3 (cyclic nucleotide gated channel subunit beta 3; minus strand). Cytogenetic location: 8q21.3.
Variant type: single nucleotide variant.
Coding change: c.1924G>A on transcript NM_019098.5 (MANE Select); coding-DNA position 1924, G replaced by A.
Protein change: p.Ala642Thr; replaces alanine 642 with threonine.
Molecular consequence: missense variant.
Genome position (GRCh38, 1-based): chr8:86,579,110, C>T on the plus strand (G>A on the coding strand, the complement: CNGB3 is on the minus strand). VCF-style: chr8-86579110-C-T. GRCh37 (hg19) VCF-style: chr8-87591338-C-T.
Other names: short protein forms A642T.
Identifiers: ClinVar variation 952162 (VCV000952162.7), dbSNP rs371424750, ClinGen allele CA4799867.
Genomic context (GRCh38, chr8:86,579,110, plus strand): 5'-AGTTTACAAAGTAAAACCAACTCCATCCATCTCTAATGGTGTTTTAAAGGTTGTACCTGG[C>T]TTTCTTCATGAGGATCCTTTCAGAATCTGGATAATGCACTAGAATTTCTTGGAGGGTCTT-3'
Protein context (NP_061971.3, residues 632-652): PDSERILMKK[Ala642Thr]RVLLKQKAKT

ClinVar aggregate classification (germline): Uncertain significance. Review status: criteria provided, multiple submitters, no conflicts (2 of 4 stars). 3 submissions from 3 submitters: Uncertain significance (2). 1 of the submissions does not count toward it. Last evaluated 2024-10-22.

Conditions:
Achromatopsia. Also called: Rod monochromatism. Identifiers: Orphanet 49382, MedGen C0152200, MONDO:0018852, HP:0011516.

Allele frequency attached by ClinVar (database versions not stated): ExAC 0.00004; TOPMed 0.00004; gnomAD 0.00005; ESP Exome Variant Server 0.00008.
gnomAD v4.1: 71 of 1,614,060 alleles (0.0044%); highest among the groups gnomAD compares: Non-Finnish European, 0.0058%; no homozygotes.

Submissions (3):

Labcorp Genetics (formerly Invitae), Labcorp
Classification: Uncertain significance. Last evaluated: 2024-10-22. Review status: criteria provided, single submitter. Criteria: Invitae Variant Classification Sherloc (09022015). Collection method: clinical testing. Allele origin: germline.
Comment: This sequence change replaces alanine, which is neutral and non-polar, with threonine, which is neutral and polar, at codon 642 of the CNGB3 protein (p.Ala642Thr). This variant is present in population databases (rs371424750, gnomAD 0.006%). This variant has not been reported in the literature in individuals affected with CNGB3-related conditions. ClinVar contains an entry for this variant (Variation ID: 952162). Invitae Evidence Modeling of protein sequence and biophysical properties (such as structural, functional, and spatial information, amino acid conservation, physicochemical variation, residue mobility, and thermodynamic stability) has been performed for this missense variant. However, the output from this modeling did not meet the statistical confidence thresholds required to predict the impact of this variant on CNGB3 protein function. In summary, the available evidence is currently insufficient to determine the role of this variant in disease. Therefore, it has been classified as a Variant of Uncertain Significance.

Blueprint Genetics
Classification: Uncertain significance. Last evaluated: 2024-07-19. Review status: criteria provided, single submitter. Criteria: ACMG Guidelines, 2015. Collection method: clinical testing. Allele origin: germline.

Natera, Inc.
Classification: Uncertain significance for Achromatopsia. Last evaluated: 2020-06-15. Review status: no assertion criteria provided. Collection method: clinical testing. Allele origin: germline. Not counted in ClinVar's aggregate classification.